The following is an entry in ClinVar:

ClinVar aggregate classification (germline): Likely pathogenic (1 of 4 stars; one submission).

Conditions:
Central core myopathy (CMYO1A). Also called: CONGENITAL MYOPATHY 1A, AUTOSOMAL DOMINANT, WITH SUSCEPTIBILITY TO MALIGNANT HYPERTHERMIA; Central core disease; Myopathy, central fibrillar. Identifiers: Orphanet 597, MedGen C5830701, MONDO:0007294, OMIM 117000.

Submission:

Laboratory for Molecular Medicine, Mass General Brigham Personalized Medicine
Classification: Likely pathogenic for Central core myopathy. Last evaluated: 2022-08-26. Review status: criteria provided, single submitter. Criteria: ACMG Guidelines, 2015. Collection method: clinical testing. Allele origin: germline.
Comment: The p.Val1122SerfsX30 in RYR1 has not been previously reported in individuals with RYR1-related myopathies and was absent from large population studies. This variant is predicted to cause a frameshift, which alters the protein’s amino acid sequence beginning at position 1122 and leads to a premature termination codon 30 amino acids downstream. Loss of function variants in the RYR1 gene have been associated with autosomal recessive RYR1 related myopathies (Amburgey 2013 PMID: 23919265). In summary, although additional studies are required to fully establish its clinical significance, this variant meets criteria to be classified as likely pathogenic for autosomal recessive RYR1-related myopathies. ACMG/AMP criteria applied: PVS1, PM2_Supporting.

NM_000540.3(RYR1):c.3364del (p.Val1122fs)

Gene: RYR1 (ryanodine receptor 1; plus strand). Cytogenetic location: 19q13.2.
Variant type: Deletion.
Coding change: c.3364del on transcript NM_000540.3 (MANE Select); coding-DNA position 3364, one base deleted (G; older notation c.3364delG).
Protein change: p.Val1122fs; shifts the reading frame from valine 1122.
Molecular consequence: frameshift variant.
Genome position (GRCh38, 1-based): chr19:38,467,795, G deleted. VCF-style (leftmost placement, unchanged base first): chr19-38467794-TG-T. GRCh37 (hg19) VCF-style: chr19-38958434-TG-T.
Other names: c.3364del, p.Val1122fs (NM_001042723.2); short protein forms V1122fs.
Identifiers: ClinVar variation 3075886 (VCV003075886.1), dbSNP rs2514103047, ClinGen allele CA2825002774.